The following is an entry in ClinVar:

ClinVar aggregate classification (germline): Likely benign. Review status: criteria provided, multiple submitters, no conflicts (2 of 4 stars). 3 submissions from 3 submitters: Likely benign (3). Last evaluated 2026-01-24.

Conditions:
Senior-Loken syndrome 8 (SLSN8). Identifiers: Orphanet 3156, MedGen C4225376, MONDO:0014579, OMIM 616307.
Asphyxiating thoracic dystrophy 5 (SRTD5). Also called: SHORT-RIB THORACIC DYSPLASIA 5 WITH OR WITHOUT POLYDACTYLY; SHORT-RIB THORACIC DYSPLASIA 5 WITHOUT POLYDACTYLY. Identifiers: Orphanet 474, MedGen C3280598, MONDO:0013717, OMIM 614376.
WDR19-related disorder. Also called: WDR19-related condition; WDR19-related disorders. Identifiers: MedGen CN380161.

Allele frequency attached by ClinVar (database versions not stated): gnomAD exomes 0.00002 and 0.00003; ExAC 0.00004; gnomAD 0.00007 and 0.00009; TOPMed 0.00008.

Submissions (3):

Labcorp Genetics (formerly Invitae), Labcorp
Classification: Likely benign for Senior-Loken syndrome 8; Asphyxiating thoracic dystrophy 5. Last evaluated: 2026-01-24. Review status: criteria provided, single submitter. Criteria: Invitae Variant Classification Sherloc (09022015). Collection method: clinical testing. Allele origin: germline.

PreventionGenetics, part of Exact Sciences
Classification: Likely benign for WDR19-related condition. Last evaluated: 2025-08-25. Review status: criteria provided, single submitter. Criteria: ACMG Guidelines, 2015. Collection method: clinical testing. Allele origin: germline.
Comment: This variant is classified as likely benign based on ACMG/AMP sequence variant interpretation guidelines (Richards et al. 2015 PMID: 25741868, with internal and published modifications).

Blueprint Genetics
Classification: Likely benign. Last evaluated: 2023-06-01. Review status: criteria provided, single submitter. Criteria: ACMG Guidelines, 2015. Collection method: clinical testing. Allele origin: germline.

NM_025132.4(WDR19):c.1638C>T (p.Asp546=)

Gene: WDR19 (WD repeat domain 19; plus strand). Cytogenetic location: 4p14.
Variant type: single nucleotide variant.
Coding change: c.1638C>T on transcript NM_025132.4 (MANE Select); coding-DNA position 1638, C replaced by T.
Protein change: p.Asp546=; no amino-acid change (aspartic acid 546 retained).
Molecular consequence: synonymous variant.
Genome position (GRCh38, 1-based): chr4:39,228,218, C>T. VCF-style: chr4-39228218-C-T. GRCh37 (hg19) VCF-style: chr4-39229838-C-T.
Other names: c.1158C>T, p.Asp386= (NM_001317924.2); c.1638C>T (NM_025132.3).
Identifiers: ClinVar variation 1102023 (VCV001102023.9), dbSNP rs753505214, ClinGen allele CA2891904.
Genomic context (GRCh38, chr4:39,228,218, plus strand): 5'-GATAATGATTCAAGTACAGACTTGGGGCAAATCTGTAAATTTTATTTTGTAGGTCAATGA[C>T]GCTACCTATGAGATTCCAGATTTTTCACCAACCATTAAAGGTGTTCTTTGGGAAAACTGG-3'
Protein context (NP_079408.3, residues 536-556): SDGFVYCPVN[Asp546=]ATYEIPDFSP